The following is an entry in ClinVar:

NM_001174089.2(SLC4A11):c.953del (p.Pro318fs)

Gene: SLC4A11 (solute carrier family 4 member 11; minus strand). Cytogenetic location: 20p13.
Variant type: Deletion.
Coding change: c.953del on transcript NM_001174089.2 (MANE Select); coding-DNA position 953, one base deleted (C; older notation c.953delC).
Protein change: p.Pro318fs; shifts the reading frame from proline 318.
Molecular consequence: frameshift variant. On other transcripts: non-coding transcript variant (1).
Genome position (GRCh38, 1-based): chr20:3,231,238, G deleted on the plus strand (C on the coding strand, the reverse complement: SLC4A11 is on the minus strand); the first of 5 consecutive G bases (chr20:3,231,238-3,231,242); deleting any one gives the same sequence. VCF-style (leftmost placement, unchanged base first): chr20-3231237-TG-T. GRCh37 (hg19) VCF-style: chr20-3211883-TG-T.
Other names: c.1082del, p.Pro361fs (NM_001174090.2); c.953del, p.Pro318fs (NM_001363745.2); c.1001del, p.Pro334fs (NM_032034.4); short protein forms P334fs, P361fs, P318fs.
Identifiers: ClinVar variation 1368491 (VCV001368491.6), dbSNP rs2122554800, ClinGen allele CA2573156905.
Genomic context (GRCh38, chr20:3,231,237, plus strand): 5'-GAACCTGCGTGCGATGTCCTCCCGGATGCCCTTCCCAAAAGGGACAAAGTCCTTGCACTT[TG>T]GGGGCTGGAGGAGAGGACAGAGCGCCTGTTAGCCCTGTCCGGCCCATGCCCCCGCCGACC-3'

ClinVar aggregate classification (germline): Pathogenic (1 of 4 stars; one submission).

Submission:

Labcorp Genetics (formerly Invitae), Labcorp
Classification: Pathogenic. Last evaluated: 2022-11-22. Review status: criteria provided, single submitter. Criteria: Invitae Variant Classification Sherloc (09022015). Collection method: clinical testing. Allele origin: germline.
Comment: This variant has not been reported in the literature in individuals affected with SLC4A11-related conditions. This variant is not present in population databases (gnomAD no frequency). This sequence change creates a premature translational stop signal (p.Pro334Glnfs*78) in the SLC4A11 gene. It is expected to result in an absent or disrupted protein product. Loss-of-function variants in SLC4A11 are known to be pathogenic (PMID: 17220209, 17679935). ClinVar contains an entry for this variant (Variation ID: 1368491). For these reasons, this variant has been classified as Pathogenic.

Literature cited by the submitters: PubMed 17220209; PubMed 17679935.